The following is an entry in ClinVar:

NM_001142800.2(EYS):c.1811A>G (p.Asn604Ser)

Gene: EYS (EGF-like photoreceptor maintenance factor; minus strand). Cytogenetic location: 6q12.
Variant type: single nucleotide variant.
Coding change: c.1811A>G on transcript NM_001142800.2 (MANE Select); coding-DNA position 1811, A replaced by G.
Protein change: p.Asn604Ser; replaces asparagine 604 with serine.
Molecular consequence: missense variant.
Genome position (GRCh38, 1-based): chr6:65,296,075, T>C on the plus strand (A>G on the coding strand, the complement: EYS is on the minus strand). VCF-style: chr6-65296075-T-C. GRCh37 (hg19) VCF-style: chr6-66005968-T-C.
Other names: c.1811A>G, p.Asn604Ser (NM_001292009.2); short protein forms N604S.
Identifiers: ClinVar variation 909941 (VCV000909941.5), dbSNP rs1274107268, ClinGen allele CA364659773.

ClinVar aggregate classification (germline): Uncertain significance. Review status: criteria provided, multiple submitters, no conflicts (2 of 4 stars). 2 submissions from 2 submitters: Uncertain significance (2). Last evaluated 2021-08-24.

Conditions:
Retinitis pigmentosa (RP). Identifiers: Orphanet 791, MedGen C0035334, MeSH D012174, MONDO:0019200, OMIM 268000. Inheritance: Autosomal dominant, autosomal recessive and X linked inheritance.

Allele frequency attached by ClinVar (database versions not stated): gnomAD 0.00001; gnomAD exomes 0.00001; TOPMed 0.00001.
gnomAD v4.1: 5 of 1,550,434 alleles (0.00032%); highest among the groups gnomAD compares: African/African-American, 0.0014%; no homozygotes.

Submissions (2):

Labcorp Genetics (formerly Invitae), Labcorp
Classification: Uncertain significance. Last evaluated: 2021-08-24. Review status: criteria provided, single submitter. Criteria: Invitae Variant Classification Sherloc (09022015). Collection method: clinical testing. Allele origin: germline.
Comment: This sequence change replaces asparagine with serine at codon 604 of the EYS protein (p.Asn604Ser). The asparagine residue is moderately conserved and there is a small physicochemical difference between asparagine and serine. This variant is not present in population databases (ExAC no frequency). This variant has not been reported in the literature in individuals affected with EYS-related conditions. Algorithms developed to predict the effect of missense changes on protein structure and function output the following: SIFT: "Tolerated"; PolyPhen-2: "Benign"; Align-GVGD: "Class C0". The serine amino acid residue is found in multiple mammalian species, which suggests that this missense change does not adversely affect protein function. Algorithms developed to predict the effect of sequence changes on RNA splicing suggest that this variant may create or strengthen a splice site. In summary, the available evidence is currently insufficient to determine the role of this variant in disease. Therefore, it has been classified as a Variant of Uncertain Significance.

Illumina Laboratory Services, Illumina
Classification: Uncertain significance for Retinitis pigmentosa. Last evaluated: 2018-01-12. Review status: criteria provided, single submitter. Criteria: ICSL Variant Classification Criteria 13 December 2019. Collection method: clinical testing. Allele origin: germline.